The following is an entry in ClinVar:

ClinVar aggregate classification (germline): Uncertain significance (1 of 4 stars; one submission).

Submission:

GeneDx
Classification: Uncertain significance. Last evaluated: 2026-03-31. Review status: criteria provided, single submitter. Criteria: GeneDx Variant Classification Process June 2021. Collection method: clinical testing. Allele origin: germline.
Comment: Not observed at significant frequency in large population cohorts (gnomAD); In silico analysis supports that this missense variant has a deleterious effect on protein structure/function; Has not been previously published as pathogenic or benign to our knowledge

NM_015404.4(WHRN):c.856G>T (p.Asp286Tyr)

Gene: WHRN (whirlin; minus strand). Cytogenetic location: 9q32.
Variant type: single nucleotide variant.
Coding change: c.856G>T on transcript NM_015404.4 (MANE Select); coding-DNA position 856, G replaced by T.
Protein change: p.Asp286Tyr; replaces aspartic acid 286 with tyrosine.
Molecular consequence: missense variant. On other transcripts: 5 prime UTR variant (1).
Genome position (GRCh38, 1-based): chr9:114,466,374, C>A on the plus strand (G>T on the coding strand, the complement: WHRN is on the minus strand). VCF-style: chr9-114466374-C-A. GRCh37 (hg19) VCF-style: chr9-117228654-C-A.
Other names: c.-294G>T (NM_001083885.3); c.856G>T, p.Asp286Tyr (NM_001173425.2); short protein forms D286Y.
Identifiers: ClinVar variation 5016945 (VCV005016945.1).